The following is an entry in ClinVar:

ClinVar aggregate classification (germline): Uncertain significance. Review status: criteria provided, multiple submitters, no conflicts (2 of 4 stars). 8 submissions from 6 submitters: Uncertain significance (8). Last evaluated 2026-10-16.

Conditions:
Desmin-related myofibrillar myopathy (MFM1). Also called: Myofibrillar myopathy 1; Desminopathy; Desmin related myopathy (former name); Desmin storage myopathy (former name); MYOFIBRILLAR MYOPATHY WITH ARRHYTHMOGENIC RIGHT VENTRICULAR CARDIOMYOPATHY; DESMIN-RELATED MYOPATHY WITH ARRHYTHMOGENIC RIGHT VENTRICULAR CARDIOMYOPATHY. Identifiers: Orphanet 363543, Orphanet 98909, MedGen C1832370, MONDO:0011076, OMIM 601419.
Dilated cardiomyopathy 1I (CMD1I). Identifiers: Orphanet 154, MedGen C1858154, MONDO:0011482, OMIM 604765.
Neurogenic scapuloperoneal syndrome, Kaeser type (SCPNK). Also called: KAESER SYNDROME. Identifiers: Orphanet 85146, MedGen C1867005, MONDO:0008407, OMIM 181400.
Cardiovascular phenotype. Identifiers: MedGen CN230736.

Allele frequency attached by ClinVar (database versions not stated): gnomAD exomes 0.00001; TOPMed 0.00002; gnomAD 0.00002.
gnomAD v4.1: 23 of 1,613,932 alleles (0.0014%); highest among the groups gnomAD compares: African/African-American, 0.0067%; no homozygotes.

Submissions (8):

GeneDx
Classification: Uncertain significance. Last evaluated: 2026-10-16. Review status: criteria provided, single submitter. Criteria: GeneDx Variant Classification Process June 2021. Collection method: clinical testing. Allele origin: germline.
Comment: Observed in an individual with hypertrophic cardiomyopathy (PMID: 35626289); Not observed at significant frequency in large population cohorts (gnomAD); In silico analysis supports a deleterious effect on splicing; In silico analysis supports that this missense variant has a deleterious effect on protein structure/function; This variant is associated with the following publications: (PMID: 26807690, 35626289, 39694818)

KardioGenetik, Herz- und Diabeteszentrum NRW
Classification: Uncertain significance for Dilated cardiomyopathy 1I. Last evaluated: 2025-10-27. Review status: criteria provided, single submitter. Criteria: ACMG Guidelines, 2015. Collection method: clinical testing. Allele origin: unknown. Affected: yes. Observed: 1 variant allele.
Comment: Evidence supporting the pathogenicity of the variant includes the bioinformatic assessment of the amino acid substitution His243Arg by the meta-prediction program REVEL, which predicts a damaging effect. In addition, the detected DES variant represents a nucleotide substitution located in exon 3 near the donor splice site, which, according to bioinformatic prediction, is expected to affect splicing in an as yet unknown manner. Pathogenic splice-altering variants have been reported in the affected splice region. Overall, however, these criteria are not sufficient to classify the variant as pathogenic. (PS1_moderate, PP3_moderate)

Labcorp Genetics (formerly Invitae), Labcorp
Classification: Uncertain significance for Desmin-related myofibrillar myopathy. Last evaluated: 2025-07-08. Review status: criteria provided, single submitter. Criteria: Invitae Variant Classification Sherloc (09022015). Collection method: clinical testing. Allele origin: germline.
Comment: This sequence change replaces histidine, which is basic and polar, with arginine, which is basic and polar, at codon 243 of the DES protein (p.His243Arg). This variant is present in population databases (no rsID available, gnomAD 0.01%). This missense change has been observed in individual(s) with hypertrophic cardiomyopathy (PMID: 35626289). ClinVar contains an entry for this variant (Variation ID: 451940). Invitae Evidence Modeling of protein sequence and biophysical properties (such as structural, functional, and spatial information, amino acid conservation, physicochemical variation, residue mobility, and thermodynamic stability) has been performed for this missense variant. However, the output from this modeling did not meet the statistical confidence thresholds required to predict the impact of this variant on DES protein function. Algorithms developed to predict the effect of sequence changes on RNA splicing suggest that this variant may create or strengthen a splice site. In summary, the available evidence is currently insufficient to determine the role of this variant in disease. Therefore, it has been classified as a Variant of Uncertain Significance.

Ambry Genetics
Classification: Uncertain significance for Cardiovascular phenotype. Last evaluated: 2022-10-31. Review status: criteria provided, single submitter. Criteria: Ambry Variant Classification Scheme 2023. Collection method: clinical testing. Allele origin: germline.
Comment: The p.H243R variant (also known as c.728A>G), located in coding exon 3 of the DES gene, results from an A to G substitution at nucleotide position 728. The histidine at codon 243 is replaced by arginine, an amino acid with highly similar properties. This amino acid position is highly conserved in available vertebrate species. In addition, this alteration is predicted to be deleterious by in silico analysis. Since supporting evidence is limited at this time, the clinical significance of this alteration remains unclear.

Fulgent Genetics
Classification: Uncertain significance for Neurogenic scapuloperoneal syndrome, Kaeser type; Desmin-related myofibrillar myopathy; Dilated cardiomyopathy 1I. Last evaluated: 2021-07-15. Review status: criteria provided, single submitter. Criteria: ACMG Guidelines, 2015. Collection method: clinical testing. Allele origin: unknown.

Illumina Laboratory Services, Illumina
Classification: Uncertain significance for Dilated cardiomyopathy 1I. Last evaluated: 2018-01-13. Review status: criteria provided, single submitter. Criteria: ICSL Variant Classification Criteria 13 December 2019. Collection method: clinical testing. Allele origin: germline.

Illumina Laboratory Services, Illumina
Classification: Uncertain significance for Myofibrillar myopathy 1. Last evaluated: 2018-01-13. Review status: criteria provided, single submitter. Criteria: ICSL Variant Classification Criteria 13 December 2019. Collection method: clinical testing. Allele origin: germline.

Illumina Laboratory Services, Illumina
Classification: Uncertain significance for Neurogenic scapuloperoneal syndrome, Kaeser type. Last evaluated: 2018-01-13. Review status: criteria provided, single submitter. Criteria: ICSL Variant Classification Criteria 13 December 2019. Collection method: clinical testing. Allele origin: germline.

Literature cited by the submitters: PubMed 35626289 (cited by Labcorp Genetics (formerly Invitae), Labcorp).

NM_001927.4(DES):c.728A>G (p.His243Arg)

Gene: DES (desmin; plus strand). Cytogenetic location: 2q35.
Variant type: single nucleotide variant.
Coding change: c.728A>G on transcript NM_001927.4 (MANE Select); coding-DNA position 728, A replaced by G.
Protein change: p.His243Arg; replaces histidine 243 with arginine.
Molecular consequence: missense variant.
Genome position (GRCh38, 1-based): chr2:219,420,339, A>G. VCF-style: chr2-219420339-A-G. GRCh37 (hg19) VCF-style: chr2-220285061-A-G.
Other names: c.728A>G (LRG_380t1); short protein forms H243R.
Identifiers: ClinVar variation 451940 (VCV000451940.19), dbSNP rs1410266369, ClinGen allele CA350690647.